The following is an entry in ClinVar:

NM_016507.4(CDK12):c.2488C>T (p.His830Tyr)

Gene: CDK12 (cyclin dependent kinase 12; plus strand). Cytogenetic location: 17q12.
Variant type: single nucleotide variant.
Coding change: c.2488C>T on transcript NM_016507.4 (MANE Select); coding-DNA position 2488, C replaced by T.
Protein change: p.His830Tyr; replaces histidine 830 with tyrosine.
Molecular consequence: missense variant.
Genome position (GRCh38, 1-based): chr17:39,501,318, C>T. VCF-style: chr17-39501318-C-T. GRCh37 (hg19) VCF-style: chr17-37657571-C-T.
Other names: c.2488C>T, p.His830Tyr (NM_015083.4); short protein forms H830Y.
Identifiers: ClinVar variation 4224444 (VCV004224444.1).

ClinVar aggregate classification (germline): Uncertain significance (1 of 4 stars; one submission).

gnomAD v4.1: 4 of 1,613,208 alleles (0.00025%); highest among the groups gnomAD compares: Non-Finnish European, 0.00034%; no homozygotes.

Submission:

Ambry Genetics
Classification: Uncertain significance. Last evaluated: 2025-09-06. Review status: criteria provided, single submitter. Criteria: Ambry Variant Classification Scheme 2023. Collection method: clinical testing. Allele origin: germline.
Comment: The p.H830Y variant (also known as c.2488C>T), located in coding exon 6 of the CDK12 gene, results from a C to T substitution at nucleotide position 2488. The histidine at codon 830 is replaced by tyrosine, an amino acid with similar properties. This amino acid position is conserved. In addition, the in silico prediction for this alteration is inconclusive. Based on the available evidence, the clinical significance of this variant remains unclear.